The following is an entry in ClinVar:

NM_015215.4(CAMTA1):c.2264C>A (p.Ala755Asp)

Gene: CAMTA1 (calmodulin binding transcription activator 1; plus strand). Cytogenetic location: 1p36.23.
Variant type: single nucleotide variant.
Coding change: c.2264C>A on transcript NM_015215.4 (MANE Select); coding-DNA position 2264, C replaced by A.
Protein change: p.Ala755Asp; replaces alanine 755 with aspartic acid.
Molecular consequence: missense variant.
Genome position (GRCh38, 1-based): chr1:7,664,811, C>A. VCF-style: chr1-7664811-C-A. GRCh37 (hg19) VCF-style: chr1-7724871-C-A.
Other names: c.2174C>A, p.Ala725Asp (NM_001349608.2, NM_001349612.2); c.2264C>A, p.Ala755Asp (NM_001349609.2, NM_001349610.2, NM_001410737.1); c.2192C>A, p.Ala731Asp (NM_001410738.1); short protein forms A725D, A731D, A755D.
Identifiers: ClinVar variation 4527754 (VCV004527754.1).

ClinVar aggregate classification (germline): Uncertain significance (1 of 4 stars; one submission).

Submission:

GeneDx
Classification: Uncertain significance. Last evaluated: 2025-04-25. Review status: criteria provided, single submitter. Criteria: GeneDx Variant Classification Process June 2021. Collection method: clinical testing. Allele origin: germline. Affected: yes.
Comment: Not observed at significant frequency in large population cohorts (gnomAD); In silico analysis indicates that this missense variant does not alter protein structure/function; Has not been previously published as pathogenic or benign to our knowledge